The following is an entry in ClinVar:

ClinVar aggregate classification (germline): Uncertain significance (1 of 4 stars; one submission).

gnomAD v4.1: 1 of 1,588,044 alleles (0.000063%); highest among the groups gnomAD compares: Non-Finnish European, 0.000086%; no homozygotes.

Submission:

Labcorp Genetics (formerly Invitae), Labcorp
Classification: Uncertain significance. Last evaluated: 2021-08-20. Review status: criteria provided, single submitter. Criteria: Invitae Variant Classification Sherloc (09022015). Collection method: clinical testing. Allele origin: germline.
Comment: This sequence change replaces glycine with alanine at codon 347 of the COL9A1 protein (p.Gly347Ala). The glycine residue is highly conserved and there is a small physicochemical difference between glycine and alanine. This variant is not present in population databases (ExAC no frequency). This variant has not been reported in the literature in individuals affected with COL9A1-related conditions. Algorithms developed to predict the effect of missense changes on protein structure and function (SIFT, PolyPhen-2, Align-GVGD) all suggest that this variant is likely to be disruptive. In summary, the available evidence is currently insufficient to determine the role of this variant in disease. Therefore, it has been classified as a Variant of Uncertain Significance.

NM_001851.6(COL9A1):c.1040G>C (p.Gly347Ala)

Gene: COL9A1 (collagen type IX alpha 1 chain; minus strand). Cytogenetic location: 6q13.
Variant type: single nucleotide variant.
Coding change: c.1040G>C on transcript NM_001851.6 (MANE Select); coding-DNA position 1040, G replaced by C.
Protein change: p.Gly347Ala; replaces glycine 347 with alanine.
Molecular consequence: missense variant. On other transcripts: non-coding transcript variant (1).
Genome position (GRCh38, 1-based): chr6:70,274,072, C>G on the plus strand (G>C on the coding strand, the complement: COL9A1 is on the minus strand). VCF-style: chr6-70274072-C-G. GRCh37 (hg19) VCF-style: chr6-70983775-C-G.
Other names: c.311G>C, p.Gly104Ala (NM_001377289.1, NM_001377290.1, NM_078485.4); short protein forms G104A, G347A.
Identifiers: ClinVar variation 1481626 (VCV001481626.3), dbSNP rs764474418, ClinGen allele CA364663529.